The following is an entry in ClinVar:

ClinVar aggregate classification (germline): Uncertain significance (1 of 4 stars; one submission).

Conditions:
Autosomal dominant childhood-onset proximal spinal muscular atrophy with contractures (SMALED2A). Also called: SPINAL MUSCULAR ATROPHY, LOWER EXTREMITY-PREDOMINANT, 2A, CHILDHOOD ONSET, AUTOSOMAL DOMINANT; Spinal muscular atrophy, lower extremity-predominant, 2A, autosomal dominant. Identifiers: Orphanet 363447, Orphanet 363454, MedGen C4747715, MONDO:0014121, OMIM 615290.

Submission:

Labcorp Genetics (formerly Invitae), Labcorp
Classification: Uncertain significance for Autosomal dominant childhood-onset proximal spinal muscular atrophy with contractures. Last evaluated: 2020-01-27. Review status: criteria provided, single submitter. Criteria: Invitae Variant Classification Sherloc (09022015). Collection method: clinical testing. Allele origin: germline.
Comment: This sequence change replaces lysine with glutamine at codon 438 of the BICD2 protein (p.Lys438Gln). The lysine residue is moderately conserved and there is a small physicochemical difference between lysine and glutamine. In summary, the available evidence is currently insufficient to determine the role of this variant in disease. Therefore, it has been classified as a Variant of Uncertain Significance. Algorithms developed to predict the effect of missense changes on protein structure and function are either unavailable or do not agree on the potential impact of this missense change (SIFT: "Tolerated"; PolyPhen-2: "Probably Damaging"; Align-GVGD: "Class C0"). This variant has not been reported in the literature in individuals with BICD2-related disease. This variant is not present in population databases (ExAC no frequency).

NM_001003800.2(BICD2):c.1312A>C (p.Lys438Gln)

Gene: BICD2 (BICD cargo adaptor 2; minus strand). Cytogenetic location: 9q22.31.
Variant type: single nucleotide variant.
Coding change: c.1312A>C on transcript NM_001003800.2 (MANE Select); coding-DNA position 1312, A replaced by C.
Protein change: p.Lys438Gln; replaces lysine 438 with glutamine.
Molecular consequence: missense variant.
Genome position (GRCh38, 1-based): chr9:92,719,333, T>G on the plus strand (A>C on the coding strand, the complement: BICD2 is on the minus strand). VCF-style: chr9-92719333-T-G. GRCh37 (hg19) VCF-style: chr9-95481615-T-G.
Other names: c.1312A>C, p.Lys438Gln (NM_015250.4); short protein forms K438Q.
Identifiers: ClinVar variation 641329 (VCV000641329.9), dbSNP rs1587669231, ClinGen allele CA374038966.